The following is an entry in ClinVar:

ClinVar aggregate classification (germline): Pathogenic (1 of 4 stars; one submission).

Conditions:
Developmental and epileptic encephalopathy, 9 (DEE9). Also called: Early infantile epileptic encephalopathy 9; EPILEPSY, FEMALE-RESTRICTED, WITH MENTAL RETARDATION; JUBERG-HELLMAN SYNDROME; PCDH19-Related X-Linked Female-Limited Epilepsy with Mental Retardation. Identifiers: Orphanet 101039, Orphanet 2076, MedGen C1848137, MONDO:0010246, OMIM 300088. Disease mechanism: loss of function.

Submission:

Labcorp Genetics (formerly Invitae), Labcorp
Classification: Pathogenic for Developmental and epileptic encephalopathy, 9. Last evaluated: 2020-10-19. Review status: criteria provided, single submitter. Criteria: Invitae Variant Classification Sherloc (09022015). Collection method: clinical testing. Allele origin: germline.
Comment: For these reasons, this variant has been classified as Pathogenic. This variant has not been reported in the literature in individuals with PCDH19-related conditions. This variant is not present in population databases (ExAC no frequency). This sequence change creates a premature translational stop signal (p.Gln922*) in the PCDH19 gene. It is expected to result in an absent or disrupted protein product. Loss-of-function variants in PCDH19 are known to be pathogenic (PMID: 21053371).

Literature cited by the submitters: PubMed 21053371.

NM_001184880.2(PCDH19):c.2764C>T (p.Gln922Ter)

Gene: PCDH19 (protocadherin 19; minus strand). Cytogenetic location: Xq22.1.
Variant type: single nucleotide variant.
Coding change: c.2764C>T on transcript NM_001184880.2 (MANE Select); coding-DNA position 2764, C replaced by T.
Protein change: p.Gln922Ter; replaces glutamine 922 with a stop codon.
Molecular consequence: nonsense.
Genome position (GRCh38, 1-based): chrX:100,341,987, G>A on the plus strand (C>T on the coding strand, the complement: PCDH19 is on the minus strand). VCF-style: chrX-100341987-G-A. GRCh37 (hg19) VCF-style: chrX-99596985-G-A.
Other names: c.2623C>T, p.Gln875Ter (NM_001105243.2); c.2620C>T, p.Gln874Ter (NM_020766.3); short protein forms Q874*, Q875*, Q922*.
Identifiers: ClinVar variation 1073565 (VCV001073565.7), dbSNP rs2147485040, ClinGen allele CA414000005.